The following is an entry in ClinVar:

NM_012062.5(DNM1L):c.1848T>A (p.Ser616Arg)

Gene: DNM1L (dynamin 1 like; plus strand). Cytogenetic location: 12p11.21.
Variant type: single nucleotide variant.
Coding change: c.1848T>A on transcript NM_012062.5 (MANE Select); coding-DNA position 1848, T replaced by A.
Protein change: p.Ser616Arg; replaces serine 616 with arginine.
Molecular consequence: missense variant.
Genome position (GRCh38, 1-based): chr12:32,740,204, T>A. VCF-style: chr12-32740204-T-A. GRCh37 (hg19) VCF-style: chr12-32893138-T-A.
Other names: c.1815T>A, p.Ser605Arg (NM_001278463.2); c.1887T>A, p.Ser629Arg (NM_001278464.2); c.1854T>A, p.Ser618Arg (NM_001278465.2); c.1239T>A, p.Ser413Arg (NM_001278466.2); c.1776T>A, p.Ser592Arg (NM_001330380.2); c.1737T>A, p.Ser579Arg (NM_005690.5); c.1770T>A, p.Ser590Arg (NM_012063.4); short protein forms S413R, S590R, S616R, S579R, S629R, S592R, S605R, S618R.
Identifiers: ClinVar variation 4690715 (VCV004690715.1).
Genomic context (GRCh38, chr12:32,740,204, plus strand): 5'-AAAAGCTGAAGAGTTATTAGCAGAAGAAAAATCAAAACCCATTCCAATTATGCCAGCCAG[T>A]CCACAAAAAGGTCATGCCGTGAACCTGCTAGATGTGGTAAGCCATGACAATTTGGTTTAG-3'
Protein context (NP_036192.2, residues 606-626): KSKPIPIMPA[Ser616Arg]PQKGHAVNLL

ClinVar aggregate classification (germline): Uncertain significance (1 of 4 stars; one submission).

gnomAD v4.1: 2 of 1,614,150 alleles (0.00012%); highest among the groups gnomAD compares: East Asian, 0.0022%; no homozygotes.

Submission:

Labcorp Genetics (formerly Invitae), Labcorp
Classification: Uncertain significance. Last evaluated: 2025-12-09. Review status: criteria provided, single submitter. Criteria: Invitae Variant Classification Sherloc (09022015). Collection method: clinical testing. Allele origin: germline.
Comment: This sequence change replaces serine, which is neutral and polar, with arginine, which is basic and polar, at codon 616 of the DNM1L protein (p.Ser616Arg). This variant is not present in population databases (gnomAD no frequency). This variant has not been reported in the literature in individuals affected with DNM1L-related conditions. An algorithm developed to predict the effect of missense changes on protein structure and function (PolyPhen-2) suggests that this variant is likely to be disruptive. In summary, the available evidence is currently insufficient to determine the role of this variant in disease. Therefore, it has been classified as a Variant of Uncertain Significance.